The following is an entry in ClinVar:

NM_024642.5(GALNT12):c.19C>G (p.Arg7Gly)

Gene: GALNT12 (polypeptide N-acetylgalactosaminyltransferase 12; plus strand). Cytogenetic location: 9q22.33.
Variant type: single nucleotide variant.
Coding change: c.19C>G on transcript NM_024642.5 (MANE Select); coding-DNA position 19, C replaced by G.
Protein change: p.Arg7Gly; replaces arginine 7 with glycine.
Molecular consequence: missense variant.
Genome position (GRCh38, 1-based): chr9:98,807,717, C>G. VCF-style: chr9-98807717-C-G. GRCh37 (hg19) VCF-style: chr9-101569999-C-G.
Other names: short protein forms R7G.
Identifiers: ClinVar variation 1054517 (VCV001054517.13), dbSNP rs1835404781, ClinGen allele CA374222026.

ClinVar aggregate classification (germline): Uncertain significance. Review status: criteria provided, multiple submitters, no conflicts (2 of 4 stars). 3 submissions from 3 submitters: Uncertain significance (3). Last evaluated 2024-07-09.

Conditions:
Colorectal cancer, susceptibility to, 1. Also called: COLORECTAL ADENOMA AND CANCER, SUSCEPTIBILITY TO; COLORECTAL CANCER, SUSCEPTIBILITY TO, ON CHROMOSOME 9. Identifiers: MedGen C1837315, MONDO:0012132, OMIM 608812.

gnomAD v4.1: 3 of 1,174,734 alleles (0.00026%); highest among the groups gnomAD compares: African/African-American, 0.0033%; no homozygotes.

Submissions (3):

Ambry Genetics
Classification: Uncertain significance. Last evaluated: 2024-07-09. Review status: criteria provided, single submitter. Criteria: Ambry Variant Classification Scheme 2023. Collection method: clinical testing. Allele origin: germline.
Comment: The p.R7G variant (also known as c.19C>G), located in coding exon 1 of the GALNT12 gene, results from a C to G substitution at nucleotide position 19. The arginine at codon 7 is replaced by glycine, an amino acid with dissimilar properties. This amino acid position is well conserved in available vertebrate species. In addition, this alteration is predicted to be tolerated by in silico analysis. Since supporting evidence is limited at this time, the clinical significance of this alteration remains unclear.

Department of Pathology and Laboratory Medicine, Sinai Health System
Classification: Uncertain significance for Colorectal cancer, susceptibility to, 1. Last evaluated: 2023-09-18. Review status: criteria provided, single submitter. Criteria: ACMG Guidelines, 2015. Collection method: clinical testing. Allele origin: germline. Affected: no.

Labcorp Genetics (formerly Invitae), Labcorp
Classification: Uncertain significance. Last evaluated: 2022-09-08. Review status: criteria provided, single submitter. Criteria: Invitae Variant Classification Sherloc (09022015). Collection method: clinical testing. Allele origin: germline.
Comment: In summary, the available evidence is currently insufficient to determine the role of this variant in disease. Therefore, it has been classified as a Variant of Uncertain Significance. Algorithms developed to predict the effect of missense changes on protein structure and function are either unavailable or do not agree on the potential impact of this missense change (SIFT: "Tolerated"; PolyPhen-2: "Not Available"; Align-GVGD: "Class C0"). ClinVar contains an entry for this variant (Variation ID: 1054517). This variant has not been reported in the literature in individuals affected with GALNT12-related conditions. This variant is not present in population databases (gnomAD no frequency). This sequence change replaces arginine, which is basic and polar, with glycine, which is neutral and non-polar, at codon 7 of the GALNT12 protein (p.Arg7Gly).